The following is an entry in ClinVar:

NM_001122659.3(EDNRB):c.764G>A (p.Cys255Tyr)

Genes: EDNRB (endothelin receptor type B; minus strand), EDNRB-AS1 (EDNRB antisense RNA 1; plus strand). Cytogenetic location: 13q22.3.
Variant type: single nucleotide variant.
Coding change: c.764G>A on transcript NM_001122659.3 (MANE Select); coding-DNA position 764, G replaced by A.
Protein change: p.Cys255Tyr; replaces cysteine 255 with tyrosine.
Molecular consequence: missense variant.
Genome position (GRCh38, 1-based): chr13:77,903,193, C>T on the plus strand (G>A on the coding strand, the complement: EDNRB is on the minus strand). VCF-style: chr13-77903193-C-T. GRCh37 (hg19) VCF-style: chr13-78477328-C-T.
Other names: c.764G>A, p.Cys255Tyr (NM_000115.5, NM_003991.4); c.1034G>A, p.Cys345Tyr (NM_001201397.2); short protein forms C255Y, C345Y.
Identifiers: ClinVar variation 3767855 (VCV003767855.1).

ClinVar aggregate classification (germline): Uncertain significance (1 of 4 stars; one submission).

Conditions:
Waardenburg syndrome. Also called: Waardenburg's syndrome. Identifiers: Orphanet 3440, MedGen C3266898, MONDO:0018094.

Submission:

Center for Statistical Genetics, Columbia University
Classification: Uncertain significance for Waardenburg syndrome. Last evaluated: 2025-01-14. Review status: criteria provided, single submitter. Criteria: ACMG Guidelines, 2015. Collection method: research. Allele origin: germline. Inheritance: Autosomal dominant inheritance. Affected: yes. Observed: 3 heterozygotes.
Comment: Absent from data bases (PM2). EDNRB is a known gene associated with Waardenburg syndrome. We identified the segregation of this heterozygous variant with the disease in multiple affected family members (PP1). Insilico predictions tools support a deleterious effect on the gene (PP3). The variant was classified based on the ACMG/AMP criteria, using the evidences PM2, PP1, PP3